The following is an entry in ClinVar:

ClinVar aggregate classification (germline): Uncertain significance. Review status: criteria provided, multiple submitters, no conflicts (2 of 4 stars). 2 submissions from 2 submitters: Uncertain significance (2). Last evaluated 2022-08-09.

Conditions:
Developmental and epileptic encephalopathy, 31A. Also called: Developmental and epileptic encephalopathy, 31; Epileptic encephalopathy, early infantile, 31. Identifiers: Orphanet 2382, MedGen C4225357, MONDO:0014598, OMIM 616346.

Allele frequency attached by ClinVar (database versions not stated): TOPMed below 0.00001.

Submissions (2):

Labcorp Genetics (formerly Invitae), Labcorp
Classification: Uncertain significance for Developmental and epileptic encephalopathy, 31A. Last evaluated: 2022-08-09. Review status: criteria provided, single submitter. Criteria: Invitae Variant Classification Sherloc (09022015). Collection method: clinical testing. Allele origin: germline.
Comment: This sequence change replaces arginine, which is basic and polar, with cysteine, which is neutral and slightly polar, at codon 324 of the DNM1 protein (p.Arg324Cys). In summary, the available evidence is currently insufficient to determine the role of this variant in disease. Therefore, it has been classified as a Variant of Uncertain Significance. Advanced modeling of protein sequence and biophysical properties (such as structural, functional, and spatial information, amino acid conservation, physicochemical variation, residue mobility, and thermodynamic stability) performed at Invitae indicates that this missense variant is expected to disrupt DNM1 protein function. This variant has not been reported in the literature in individuals affected with DNM1-related conditions. This variant is not present in population databases (gnomAD no frequency).

Centre of Medical Genetics, University Hospital Muenster
Classification: Uncertain significance. Last evaluated: 2021-12-08. Review status: criteria provided, single submitter. Criteria: ACMG Guidelines, 2015. Collection method: clinical testing. Allele origin: unknown. Affected: yes. Observed: 1 variant allele, 1 heterozygote.
Comment: ACMG categories: PM2,PP3

NM_004408.4(DNM1):c.970C>T (p.Arg324Cys)

Gene: DNM1 (dynamin 1; plus strand). Cytogenetic location: 9q34.11.
Variant type: single nucleotide variant.
Coding change: c.970C>T on transcript NM_004408.4 (MANE Select); coding-DNA position 970, C replaced by T.
Protein change: p.Arg324Cys; replaces arginine 324 with cysteine.
Molecular consequence: missense variant.
Genome position (GRCh38, 1-based): chr9:128,222,317, C>T. VCF-style: chr9-128222317-C-T. GRCh37 (hg19) VCF-style: chr9-130984596-C-T.
Other names: c.970C>T, p.Arg324Cys (NM_001005336.3, NM_001288737.2, NM_001288738.2 and 2 more transcripts); short protein forms R324C.
Identifiers: ClinVar variation 1708428 (VCV001708428.7), dbSNP rs773592845, ClinGen allele CA375015566.